The following is an entry in ClinVar:

NM_001123385.2(BCOR):c.3581T>G (p.Leu1194Arg)

Gene: BCOR (BCL6 corepressor; minus strand). Cytogenetic location: Xp11.4.
Variant type: single nucleotide variant.
Coding change: c.3581T>G on transcript NM_001123385.2 (MANE Select); coding-DNA position 3581, T replaced by G.
Protein change: p.Leu1194Arg; replaces leucine 1194 with arginine.
Molecular consequence: missense variant. On other transcripts: intron variant (4).
Genome position (GRCh38, 1-based): chrX:40,063,874, A>C on the plus strand (T>G on the coding strand, the complement: BCOR is on the minus strand). VCF-style: chrX-40063874-A-C. GRCh37 (hg19) VCF-style: chrX-39923127-A-C.
Other names: c.3581T>G, p.Leu1194Arg (NM_001437510.1, NM_001437511.1); c.3527T>G, p.Leu1176Arg (NM_001438207.1); c.3449-24T>G (NM_001123384.2); c.3503-24T>G (NM_001123383.2, NM_001438208.1, NM_017745.6); short protein forms L1194R, L1176R.
Identifiers: ClinVar variation 3731126 (VCV003731126.1).

ClinVar aggregate classification (germline): Uncertain significance (1 of 4 stars; one submission).

Submission:

GeneDx
Classification: Uncertain significance. Last evaluated: 2024-08-15. Review status: criteria provided, single submitter. Criteria: GeneDx Variant Classification Process June 2021. Collection method: clinical testing. Allele origin: germline. Affected: yes.
Comment: Reported using an alternate transcript of the gene; Has not been previously published as pathogenic or benign to our knowledge; Not observed at significant frequency in large population cohorts (gnomAD); In silico analysis supports that this missense variant has a deleterious effect on protein structure/function